The following is an entry in ClinVar:

ClinVar aggregate classification (germline): Uncertain significance (1 of 4 stars; one submission).

Allele frequency attached by ClinVar (database versions not stated): gnomAD 0.00002 and 0.00003; gnomAD exomes 0.00002; TOPMed 0.00002; ExAC 0.00003; ESP Exome Variant Server 0.00012.

Submission:

Labcorp Genetics (formerly Invitae), Labcorp
Classification: Uncertain significance. Last evaluated: 2024-11-05. Review status: criteria provided, single submitter. Criteria: Invitae Variant Classification Sherloc (09022015). Collection method: clinical testing. Allele origin: germline.
Comment: This sequence change replaces glycine, which is neutral and non-polar, with arginine, which is basic and polar, at codon 595 of the COL11A2 protein (p.Gly595Arg). This variant is present in population databases (rs377233986, gnomAD 0.006%). This variant has not been reported in the literature in individuals affected with COL11A2-related conditions. ClinVar contains an entry for this variant (Variation ID: 1522616). Invitae Evidence Modeling of protein sequence and biophysical properties (such as structural, functional, and spatial information, amino acid conservation, physicochemical variation, residue mobility, and thermodynamic stability) indicates that this missense variant is expected to disrupt COL11A2 protein function with a positive predictive value of 95%. In summary, the available evidence is currently insufficient to determine the role of this variant in disease. Therefore, it has been classified as a Variant of Uncertain Significance.

NM_080680.3(COL11A2):c.1783G>A (p.Gly595Arg)

Gene: COL11A2 (collagen type XI alpha 2 chain; minus strand). Cytogenetic location: 6p21.32.
Variant type: single nucleotide variant.
Coding change: c.1783G>A on transcript NM_080680.3 (MANE Select); coding-DNA position 1783, G replaced by A.
Protein change: p.Gly595Arg; replaces glycine 595 with arginine.
Molecular consequence: missense variant.
Genome position (GRCh38, 1-based): chr6:33,178,343, C>T on the plus strand (G>A on the coding strand, the complement: COL11A2 is on the minus strand). VCF-style: chr6-33178343-C-T. GRCh37 (hg19) VCF-style: chr6-33146120-C-T.
Other names: c.1462G>A, p.Gly488Arg (NM_080679.3); c.1525G>A, p.Gly509Arg (NM_080681.3); short protein forms G488R, G595R, G509R.
Identifiers: ClinVar variation 1522616 (VCV001522616.8), dbSNP rs377233986, ClinGen allele CA3751205.